The following is an entry in ClinVar:

NC_000023.10:g.(31227817_31241163)_(31279134_31341714)dup

Gene: DMD (dystrophin; minus strand). Cytogenetic location: Xp21.2.
Variant type: Duplication.
Identifiers: ClinVar variation 4537065 (VCV004537065.1).

ClinVar aggregate classification (germline): Likely pathogenic (1 of 4 stars; one submission).

Conditions:
Neuromuscular disease caused by qualitative or quantitative defects of dystrophin. Also called: Qualitative or quantitative defects of dystrophin. Identifiers: Orphanet 207085, MedGen C5679787, MONDO:0016147.

Submission:

Women's Health and Genetics/Laboratory Corporation of America, LabCorp
Classification: Likely pathogenic for Neuromuscular disease caused by qualitative or quantitative defects of dystrophin. Last evaluated: 2025-11-04. Review status: criteria provided, single submitter. Criteria: LabCorp Variant Classification Summary - May 2015. Collection method: clinical testing. Allele origin: germline.
Comment: Variant summary: The variant involves the duplication of exons 63-64 in the DMD gene. A presumed nomenclature of c.(9224+1_9225-1)_(9361+1_9362-1)dup has been designated for the purposes of this classification. It is assumed to be a tandem duplication in direct orientation (PMIDs: 25640679, 30054569). This Copy Number Variant (CNV) is expected to alter the reading frame and predicted to result in a truncation or absence of the encoded protein due to nonsense mediated decay (NMD). Loss-of-function variants in this gene are known to be pathogenic. The variant was absent in 95259 control chromosomes in the gnomAD database (Structural Variants v4.1 dataset). The variant, c.(9224+1_9225-1)_(9361+1_9362-1)dup, has been observed in individuals affected with Dystrophinopathies (e.g. Wiszniewska_2014, Tong_2020). To our knowledge, no experimental evidence demonstrating an impact on protein function has been reported. The following publications have been ascertained in the context of this evaluation (PMID: 23695279, 33101180). No submitters have cited clinical-significance assessments for this variant to ClinVar. Based on the evidence outlined above, the variant was classified as likely pathogenic.

Literature cited by the submitters: PubMed 33101180; PubMed 23695279.